The following is an entry in ClinVar:

NM_001048174.2(MUTYH):c.903G>A (p.Val301=)

Gene: MUTYH (mutY DNA glycosylase; minus strand). Cytogenetic location: 1p34.1.
Variant type: single nucleotide variant.
Coding change: c.903G>A on transcript NM_001048174.2 (MANE Select); coding-DNA position 903, G replaced by A.
Protein change: p.Val301=; no amino-acid change (valine 301 retained).
Molecular consequence: synonymous variant. On other transcripts: non-coding transcript variant (2).
Genome position (GRCh38, 1-based): chr1:45,332,033, C>T on the plus strand (G>A on the coding strand, the complement: MUTYH is on the minus strand). VCF-style: chr1-45332033-C-T. GRCh37 (hg19) VCF-style: chr1-45797705-C-T.
Other names: c.903G>A, p.Val301= (NM_001048171.2, NM_001048173.2, NM_001293195.2); c.906G>A, p.Val302= (NM_001048172.2); c.987G>A, p.Val329= (NM_001128425.2); c.948G>A, p.Val316= (NM_001293190.2); c.936G>A, p.Val312= (NM_001293191.2); c.627G>A, p.Val209= (NM_001293192.2, NM_001293196.2); c.558G>A, p.Val186= (NM_001350650.2, NM_001350651.2); c.978G>A, p.Val326= (NM_012222.3).
Identifiers: ClinVar variation 1673819 (VCV001673819.9), dbSNP rs749048388, ClinGen allele CA417879834.

ClinVar aggregate classification (germline): Conflicting classifications of pathogenicity. Review status: criteria provided, conflicting classifications (1 of 4 stars). 2 submissions from 2 submitters: Uncertain significance (1); Likely benign (1). Last evaluated 2025-06-23.

Conditions:
Hereditary cancer-predisposing syndrome. Also called: Hereditary neoplastic syndrome; Hereditary Cancer Syndrome; Tumor predisposition; Neoplastic Syndromes, Hereditary. Identifiers: Orphanet 140162, MedGen C0027672, MeSH D009386, MONDO:0015356.
Familial adenomatous polyposis 2. Also called: ADENOMAS, MULTIPLE COLORECTAL, AUTOSOMAL RECESSIVE; MUTYH Polyposis; MUTYH-related attenuated familial adenomatous polyposis; Adenomas, multiple colorectal; MUTYH-associated polyposis; COLORECTAL ADENOMATOUS POLYPOSIS, AUTOSOMAL RECESSIVE. Identifiers: Orphanet 220460, Orphanet 247798, MedGen C3272841, MONDO:0012041, OMIM 608456.

Submissions (2):

Color Diagnostics, LLC DBA Color Health
Classification: Uncertain significance for Hereditary cancer-predisposing syndrome. Last evaluated: 2025-06-23. Review status: criteria provided, single submitter. Criteria: ACMG Guidelines, 2015. Collection method: clinical testing. Allele origin: germline.
Comment: This variant is located in the MUTYH protein. To our knowledge, functional studies have not been reported for this variant. This variant has not been reported in individuals affected with MUTYH-related disorders in the literature. This variant has not been identified in the general population by the Genome Aggregation Database (gnomAD). The available evidence is insufficient to determine the role of this variant in disease conclusively. Therefore, this variant is classified as a Variant of Uncertain Significance.

Labcorp Genetics (formerly Invitae), Labcorp
Classification: Likely benign for Familial adenomatous polyposis 2. Last evaluated: 2021-07-16. Review status: criteria provided, single submitter. Criteria: Invitae Variant Classification Sherloc (09022015). Collection method: clinical testing. Allele origin: germline.